The following is an entry in ClinVar:

NM_018136.5(ASPM):c.10331+18G>A

Gene: ASPM (assembly factor for spindle microtubules; minus strand). Cytogenetic location: 1q31.3.
Variant type: single nucleotide variant.
Coding change: c.10331+18G>A on transcript NM_018136.5 (MANE Select); 18 bases into the intron after coding-DNA position 10331, G replaced by A.
Molecular consequence: intron variant.
Genome position (GRCh38, 1-based): chr1:197,086,785, C>T on the plus strand (G>A on the coding strand, the complement: ASPM is on the minus strand). VCF-style: chr1-197086785-C-T. GRCh37 (hg19) VCF-style: chr1-197055915-C-T.
Other names: c.5576+18G>A (NM_001206846.2).
Identifiers: ClinVar variation 377499 (VCV000377499.9), dbSNP rs571179573, ClinGen allele CA1308742.

ClinVar aggregate classification (germline): Benign/Likely benign. Review status: criteria provided, multiple submitters, no conflicts (2 of 4 stars). 3 submissions from 3 submitters: Benign (2); Likely benign (1). Last evaluated 2026-01-19.

Conditions:
Microcephaly 5, primary, autosomal recessive (MCPH5). Also called: ASPM Primary Microcephaly. Identifiers: Orphanet 2512, MedGen C1837501, MONDO:0012106, OMIM 608716.

Allele frequency attached by ClinVar (database versions not stated): gnomAD 0.00003 and 0.00048; TOPMed 0.00013; gnomAD exomes 0.00086 and 0.00174; ExAC 0.00202; 1000 Genomes Project 30x 0.00453; 1000 Genomes Project 0.00479.
gnomAD v4.1: 1,303 of 1,574,600 alleles (0.083%); highest among the groups gnomAD compares: South Asian, 1.3%; 17 homozygotes.

Submissions (3):

Labcorp Genetics (formerly Invitae), Labcorp
Classification: Benign. Last evaluated: 2026-01-19. Review status: criteria provided, single submitter. Criteria: Invitae Variant Classification Sherloc (09022015). Collection method: clinical testing. Allele origin: germline.

Genome-Nilou Lab
Classification: Benign for Microcephaly 5, primary, autosomal recessive. Last evaluated: 2023-04-11. Review status: criteria provided, single submitter. Criteria: ACMG Guidelines, 2015. Collection method: clinical testing. Allele origin: germline. Affected: no.

GeneDx
Classification: Likely benign. Last evaluated: 2017-05-22. Review status: criteria provided, single submitter. Criteria: GeneDx Variant Classification (06012015). Collection method: clinical testing. Allele origin: germline. Affected: yes.
Comment: This variant is considered likely benign or benign based on one or more of the following criteria: it is a conservative change, it occurs at a poorly conserved position in the protein, it is predicted to be benign by multiple in silico algorithms, and/or has population frequency not consistent with disease.